The following is an entry in ClinVar:

NM_000229.2(LCAT):c.694T>A (p.Ser232Thr)

Gene: LCAT (lecithin-cholesterol acyltransferase; minus strand). Cytogenetic location: 16q22.1.
Variant type: single nucleotide variant.
Coding change: c.694T>A on transcript NM_000229.2 (MANE Select); coding-DNA position 694, T replaced by A.
Protein change: p.Ser232Thr; replaces serine 232 with threonine.
Molecular consequence: missense variant.
Genome position (GRCh38, 1-based): chr16:67,942,417, A>T on the plus strand (T>A on the coding strand, the complement: LCAT is on the minus strand). VCF-style: chr16-67942417-A-T. GRCh37 (hg19) VCF-style: chr16-67976320-A-T.
Other names: short protein forms S232T.
Identifiers: ClinVar variation 884653 (VCV000884653.17), dbSNP rs4986970, ClinGen allele CA8120995.
Genomic context (GRCh38, chr16:67,942,417, plus strand): 5'-TCTCACCTGAGGCCAAGACCAGCATGGGCTTGATGGAGCCACCCCAGGGAGCCCCAAGAG[A>T]GATGAAGCCATCAATAAAGCGGTCCTTCCAGGCCTGGGGCTGGCGCAGCAGGAAATAGAG-3'
Protein context (NP_000220.1, residues 222-242): WKDRFIDGFI[Ser232Thr]LGAPWGGSIK

ClinVar aggregate classification (germline): Benign/Likely benign. Review status: criteria provided, multiple submitters, no conflicts (2 of 4 stars). 7 submissions from 7 submitters: Benign (3); Likely benign (3). 1 of the submissions does not count toward it. Last evaluated 2026-02-03.

Conditions:
Cardiovascular phenotype. Identifiers: MedGen CN230736.
LCAT-related disorder. Also called: LCAT-related condition.
LCAT deficiency. Also called: Lecithin Acyltransferase Deficiency. Identifiers: Orphanet 650, Orphanet 79293, MedGen C5779633, MONDO:0018999.
Norum disease. Also called: Familial lecithin cholesterol acyltransferase deficiency. Identifiers: Orphanet 79293, MedGen C0023195, MONDO:0009515, OMIM 245900.
Fish-eye disease (FED). Also called: ALPHA-LCAT DEFICIENCY; DYSLIPOPROTEINEMIC CORNEAL DYSTROPHY; LCATA DEFICIENCY. Identifiers: Orphanet 650, Orphanet 79292, MedGen C0342895, MONDO:0007620, OMIM 136120.

Allele frequency attached by ClinVar (database versions not stated): 1000 Genomes Project 30x 0.00828; 1000 Genomes Project 0.00839; TOPMed 0.01669; ExAC 0.01807; ESP Exome Variant Server 0.02247.
gnomAD v4.1: 41,934 of 1,613,908 alleles (2.6%); highest among the groups gnomAD compares: Non-Finnish European, 3.2%; 650 homozygotes.

Submissions (7):

Labcorp Genetics (formerly Invitae), Labcorp
Classification: Benign. Last evaluated: 2026-02-03. Review status: criteria provided, single submitter. Criteria: Invitae Variant Classification Sherloc (09022015). Collection method: clinical testing. Allele origin: germline.

Fulgent Genetics
Classification: Likely benign for Fish-eye disease; Norum disease. Last evaluated: 2022-05-06. Review status: criteria provided, single submitter. Criteria: ACMG Guidelines, 2015. Collection method: clinical testing. Allele origin: unknown.

GeneDx
Classification: Benign. Last evaluated: 2020-04-23. Review status: criteria provided, single submitter. Criteria: GeneDx Variant Classification Process June 2021. Collection method: clinical testing. Allele origin: germline. Affected: yes.
Comment: This variant is associated with the following publications: (PMID: 22090275, 24503134)

Ambry Genetics
Classification: Benign for Cardiovascular phenotype. Last evaluated: 2019-05-22. Review status: criteria provided, single submitter. Criteria: Ambry Variant Classification Scheme 2023. Collection method: clinical testing. Allele origin: germline.

Illumina Laboratory Services, Illumina
Classification: Likely benign for Norum disease. Last evaluated: 2017-04-27. Review status: criteria provided, single submitter. Criteria: ICSL Variant Classification Criteria 13 December 2019. Collection method: clinical testing. Allele origin: germline.
Comment: This variant was observed as part of a predisposition screen in an ostensibly healthy population. A literature search was performed for the gene, cDNA change, and amino acid change (where applicable). Publications were found based on this search. The evidence from the literature, in combination with allele frequency data from public databases where available, was sufficient to determine this variant is unlikely to cause disease. Therefore, this variant is classified as likely benign.

Breakthrough Genomics
Classification: Likely benign. Review status: criteria provided, single submitter. Criteria: ACMG Guidelines, 2015. Collection method: not provided. Allele origin: germline. Inheritance: Autosomal recessive inheritance. Affected: yes.

PreventionGenetics, part of Exact Sciences
Classification: Benign for LCAT-related condition. Last evaluated: 2019-11-07. Review status: no assertion criteria provided. Collection method: clinical testing. Allele origin: germline. Not counted in ClinVar's aggregate classification.
Comment: This variant is classified as benign based on ACMG/AMP sequence variant interpretation guidelines (Richards et al. 2015 PMID: 25741868, with internal and published modifications).

Literature cited by the submitters: PubMed 22090275 (cited by Ambry Genetics and Illumina Laboratory Services, Illumina); PubMed 24503134 (cited by Ambry Genetics).